The following is an entry in ClinVar:

NM_025114.4(CEP290):c.1493A>T (p.Asp498Val)

Gene: CEP290 (centrosomal protein 290; minus strand). Cytogenetic location: 12q21.32.
Variant type: single nucleotide variant.
Coding change: c.1493A>T on transcript NM_025114.4 (MANE Select); coding-DNA position 1493, A replaced by T.
Protein change: p.Asp498Val; replaces aspartic acid 498 with valine.
Molecular consequence: missense variant.
Genome position (GRCh38, 1-based): chr12:88,120,143, T>A on the plus strand (A>T on the coding strand, the complement: CEP290 is on the minus strand). VCF-style: chr12-88120143-T-A. GRCh37 (hg19) VCF-style: chr12-88513920-T-A.
Other names: short protein forms D498V.
Identifiers: ClinVar variation 1053393 (VCV001053393.4), dbSNP rs2039315374, ClinGen allele CA385979758.
Genomic context (GRCh38, chr12:88,120,143, plus strand): 5'-CGCAAACTATGTAACTTAAAACATGGCTTACCCACACGCTCTCTAAGTGCCTCATTTTCA[T>A]CAAGGAAATCACTGATCTTCAATTCAAGTTTATTGATTTCCTTTGTTAATATTTCAATCT-3'
Protein context (NP_079390.3, residues 488-508): KLELKISDFL[Asp498Val]ENEALRERVG

ClinVar aggregate classification (germline): Uncertain significance (1 of 4 stars; one submission).

Conditions:
Joubert syndrome. Also called: Familial aplasia of the vermis; CEREBELLOPARENCHYMAL DISORDER IV; JOUBERT-BOLTSHAUSER SYNDROME. Identifiers: Orphanet 475, MedGen C5979921, MONDO:0018772.
Meckel-Gruber syndrome. Also called: Dysencephalia splachnocystica; DYSENCEPHALIA SPLANCHNOCYSTICA; GRUBER SYNDROME. Identifiers: Orphanet 564, MedGen C0265215, MONDO:0018921.
Nephronophthisis. Also called: Juvenile Nephronophthisis. Identifiers: Orphanet 655, MedGen C0687120, MONDO:0019005, HP:0000090.

Allele frequency attached by ClinVar (database versions not stated): TOPMed below 0.00001.

Submission:

Labcorp Genetics (formerly Invitae), Labcorp
Classification: Uncertain significance for Joubert syndrome; Meckel-Gruber syndrome; Nephronophthisis. Last evaluated: 2022-09-27. Review status: criteria provided, single submitter. Criteria: Invitae Variant Classification Sherloc (09022015). Collection method: clinical testing. Allele origin: germline.
Comment: This sequence change replaces aspartic acid, which is acidic and polar, with valine, which is neutral and non-polar, at codon 498 of the CEP290 protein (p.Asp498Val). This variant is not present in population databases (gnomAD no frequency). This variant has not been reported in the literature in individuals affected with CEP290-related conditions. ClinVar contains an entry for this variant (Variation ID: 1053393). Advanced modeling of protein sequence and biophysical properties (such as structural, functional, and spatial information, amino acid conservation, physicochemical variation, residue mobility, and thermodynamic stability) performed at Invitae indicates that this missense variant is expected to disrupt CEP290 protein function. In summary, the available evidence is currently insufficient to determine the role of this variant in disease. Therefore, it has been classified as a Variant of Uncertain Significance.